The following is an entry in ClinVar:

NM_004006.3(DMD):c.6438+88106A>G

Gene: DMD (dystrophin; minus strand). Cytogenetic location: Xp21.1.
Variant type: single nucleotide variant.
Coding change: c.6438+88106A>G on transcript NM_004006.3 (MANE Select); 88106 bases into the intron after coding-DNA position 6438, A replaced by G.
Molecular consequence: intron variant.
Genome position (GRCh38, 1-based): chrX:32,128,810, T>C on the plus strand (A>G on the coding strand, the complement: DMD is on the minus strand). VCF-style: chrX-32128810-T-C. GRCh37 (hg19) VCF-style: chrX-32146927-T-C.
Other names: NM_004022.3:c.-943+26561A>G; c.6414+88106A>G (NM_000109.4); c.2415+88106A>G (NM_004011.4); c.2406+88106A>G (NM_004012.4); c.-943+26561A>G (NM_004023.3, NM_004020.4, NM_004022.3 and 2 more transcripts); c.6426+88106A>G (NM_004009.3); c.6069+88106A>G (NM_004010.3).
Identifiers: ClinVar variation 2440850 (VCV002440850.5), dbSNP rs2536636129, ClinGen allele CA2573332191.
Genomic context (GRCh38, chrX:32,128,810, plus strand): 5'-AAATATGTTTAAGAAAGCAAAACTGAAATAGGAACTCAGGGTTTAAAACACTTCTACTTA[T>C]AACCTGTGTCGTTCCTCTTTGTGTAAAGTCTATGACCTGCTGTTTGGAAAGACACCAGAT-3'

ClinVar aggregate classification (germline): Conflicting classifications of pathogenicity. Review status: criteria provided, conflicting classifications (1 of 4 stars). 3 submissions from 3 submitters: Likely pathogenic (1); Uncertain significance (2). Last evaluated 2025-04-02.

Conditions:
Becker muscular dystrophy (BMD). Also called: Becker Muscular Dystrophy (BMD); MUSCULAR DYSTROPHY, PSEUDOHYPERTROPHIC PROGRESSIVE, BECKER TYPE. Identifiers: Orphanet 98895, MedGen C0917713, MONDO:0010311, OMIM 300376.
Duchenne muscular dystrophy (DMD). Also called: Duchenne Muscular Dystrophy (DMD); MUSCULAR DYSTROPHY, PSEUDOHYPERTROPHIC PROGRESSIVE, DUCHENNE TYPE. Identifiers: Orphanet 98896, MedGen C0013264, MONDO:0010679, OMIM 310200.

Submissions (3):

Variantyx, Inc.
Classification: Likely pathogenic for Becker muscular dystrophy. Last evaluated: 2025-04-02. Review status: criteria provided, single submitter. Criteria: Variantyx Assertion Criteria 2022. Collection method: clinical testing. Allele origin: maternal. Inheritance: X-linked recessive inheritance. Affected: yes.
Comment: This is an intronic variant in the DMD gene (OMIM: 300377). Pathogenic variants in this gene have been associated with X-linked Becker muscular dystrophy (PMID: 12398835, 38428348, 16770791). Functional studies have shown that this variant alters DMD protein function (PS3), and algorithms that predict the potential impact of sequence variants on RNA splicing suggest that this variant may disrupt normal splicing (PP3). This variant is absent from control populations (PM2). Based on the current evidence, this variant is classified as likely pathogenic for X-linked Becker muscular dystrophy.

Broad Center for Mendelian Genomics, Broad Institute of MIT and Harvard
Classification: Uncertain significance for Duchenne muscular dystrophy. Last evaluated: 2023-05-02. Review status: criteria provided, single submitter. Criteria: ACMG Guidelines, 2015. Collection method: curation. Allele origin: germline. Inheritance: X-linked inheritance.
Comment: The significance of the c.6438+88106A>G variant is uncertain. If you have any additional information about functional evidence or other individuals with this variants in DMD we encourage you to reach out to us.

Revvity Omics, Revvity
Classification: Uncertain significance. Last evaluated: 2022-09-02. Review status: criteria provided, single submitter. Criteria: ACMG Guidelines, 2015. Collection method: clinical testing. Allele origin: germline.

Literature cited by the submitters: PubMed 12398835 (cited by Variantyx, Inc.); PubMed 38428348 (cited by Variantyx, Inc.); PubMed 16770791 (cited by Variantyx, Inc.).